The following is an entry in ClinVar:

ClinVar aggregate classification (germline): Likely benign. Review status: criteria provided, multiple submitters, no conflicts (2 of 4 stars). 4 submissions from 4 submitters: Likely benign (4). Last evaluated 2026-07-07.

Conditions:
Intellectual disability, autosomal dominant 16 (CSS4). Also called: COFFIN-SIRIS SYNDROME 4. Identifiers: Orphanet 1465, MedGen C3553249, MONDO:0013821, OMIM 614609.
Rhabdoid tumor predisposition syndrome 2 (RTPS2). Identifiers: Orphanet 231108, Orphanet 69077, MedGen C2750074, MONDO:0013224, OMIM 613325.
Hereditary cancer-predisposing syndrome. Also called: Tumor predisposition; Neoplastic Syndromes, Hereditary; Hereditary Cancer Syndrome; Hereditary neoplastic syndrome. Identifiers: Orphanet 140162, MedGen C0027672, MeSH D009386, MONDO:0015356.

gnomAD v4.1: 10 of 1,610,422 alleles (0.00062%); highest among the groups gnomAD compares: Non-Finnish European, 0.00085%; no homozygotes.

Submissions (4):

Myriad Genetics, Inc.
Classification: Likely benign for Rhabdoid tumor predisposition syndrome 2. Last evaluated: 2026-07-07. Review status: criteria provided, single submitter. Criteria: Myriad Autosomal Dominant, Autosomal Recessive and X-Linked Classification Criteria (2023). Collection method: clinical testing. Allele origin: unknown.
Comment: This variant is considered likely benign. This variant is intronic and is not expected to impact mRNA splicing.

Labcorp Genetics (formerly Invitae), Labcorp
Classification: Likely benign for Rhabdoid tumor predisposition syndrome 2. Last evaluated: 2025-09-22. Review status: criteria provided, single submitter. Criteria: Invitae Variant Classification Sherloc (09022015). Collection method: clinical testing. Allele origin: germline.

Ambry Genetics
Classification: Likely benign for Hereditary cancer-predisposing syndrome. Last evaluated: 2022-02-15. Review status: criteria provided, single submitter. Criteria: Ambry Variant Classification Scheme 2023. Collection method: clinical testing. Allele origin: germline.

Genome-Nilou Lab
Classification: Likely benign for Intellectual disability, autosomal dominant 16. Last evaluated: 2021-07-15. Review status: criteria provided, single submitter. Criteria: ACMG Guidelines, 2015. Collection method: clinical testing. Allele origin: germline. Affected: no.

NM_003072.5(SMARCA4):c.3383-5G>T

Gene: SMARCA4 (SWI/SNF related BAF chromatin remodeling complex subunit ATPase 4; plus strand). Cytogenetic location: 19p13.2.
Variant type: single nucleotide variant.
Coding change: c.3383-5G>T on transcript NM_003072.5 (MANE Select); 5 bases into the intron before coding-DNA position 3383, G replaced by T.
Molecular consequence: intron variant.
Genome position (GRCh38, 1-based): chr19:11,030,725, G>T. VCF-style: chr19-11030725-G-T. GRCh37 (hg19) VCF-style: chr19-11141401-G-T.
Other names: c.3383-5G>T (NM_001128844.3, NM_001128849.3, NM_001128847.4 and 5 more transcripts).
Identifiers: ClinVar variation 484859 (VCV000484859.19), dbSNP rs762528243, ClinGen allele CA9204418.
Genomic context (GRCh38, chr19:11,030,725, plus strand): 5'-CCTTGGTGTCCCCACTCTACCCCTGAGGTCACCCCGCTGACCCTGTTCTCCTCTGTGCCC[G>T]TCAGGAACCACGAAGGCGGAGGACCGGGGCATGCTGCTGAAAACCTTCAACGAGCCCGGC-3'